The following is an entry in ClinVar:

NM_000257.4(MYH7):c.4668C>A (p.Gly1556=)

Genes: MHRT (myosin heavy chain associated RNA transcript; plus strand), MYH7 (myosin heavy chain 7; minus strand), LOC126861897 (BRD4-independent group 4 enhancer GRCh37_chr14:23884455-23885654; plus strand). Cytogenetic location: 14q11.2.
Variant type: single nucleotide variant.
Coding change: c.4668C>A on transcript NM_000257.4 (MANE Select); coding-DNA position 4668, C replaced by A.
Protein change: p.Gly1556=; no amino-acid change (glycine 1556 retained).
Molecular consequence: synonymous variant. On other transcripts: non-coding transcript variant (1).
Genome position (GRCh38, 1-based): chr14:23,416,289, G>T on the plus strand (C>A on the coding strand, the complement: MYH7 is on the minus strand). VCF-style: chr14-23416289-G-T. GRCh37 (hg19) VCF-style: chr14-23885498-G-T.
Other names: c.4668C>A (LRG_384t1).
Identifiers: ClinVar variation 626810 (VCV000626810.27), dbSNP rs762762532, ClinGen allele CA043470.

ClinVar aggregate classification (germline): Likely benign. Review status: criteria provided, multiple submitters, no conflicts (2 of 4 stars). 5 submissions from 5 submitters: Likely benign (5). Last evaluated 2025-06-29.

Conditions:
Cardiovascular phenotype. Identifiers: MedGen CN230736.
Hypertrophic cardiomyopathy. Also called: HYPERTROPHIC MYOCARDIOPATHY. Identifiers: Orphanet 217569, MedGen C0007194, MeSH D002312, MONDO:0005045, HP:0001639.
Cardiomyopathy (CMYO). Also called: Cardiomyopathies. Identifiers: Orphanet 167848, MedGen C0878544, MONDO:0004994, HP:0001638. Inheritance: Various modes of inheritance.

Allele frequency attached by ClinVar (database versions not stated): gnomAD exomes 0.00001 and 0.00007; gnomAD 0.00003; TOPMed 0.00005; ExAC 0.00006.
gnomAD v4.1: 20 of 1,612,698 alleles (0.0012%); highest among the groups gnomAD compares: East Asian, 0.042%; no homozygotes.

Submissions (5):

Labcorp Genetics (formerly Invitae), Labcorp
Classification: Likely benign for Hypertrophic cardiomyopathy. Last evaluated: 2025-06-29. Review status: criteria provided, single submitter. Criteria: Invitae Variant Classification Sherloc (09022015). Collection method: clinical testing. Allele origin: germline.

All of Us Research Program, National Institutes of Health
Classification: Likely benign for Cardiomyopathy. Last evaluated: 2024-08-29. Review status: criteria provided, single submitter. Criteria: ACMG Guidelines, 2015. Collection method: clinical testing. Allele origin: germline. Inheritance: Autosomal dominant inheritance. Observed: 6 variant alleles, 6 heterozygotes.
Comment: This study involves interpretation of variants in research participants for the purpose of population health screening. Participant phenotype was not available at the time of variant classification. Additional details can be found in publication PMID: 35346344, PMCID: PMC8962531

Ambry Genetics
Classification: Likely benign for Cardiovascular phenotype. Last evaluated: 2022-11-27. Review status: criteria provided, single submitter. Criteria: Ambry Variant Classification Scheme 2023. Collection method: clinical testing. Allele origin: germline.

CHEO Genetics Diagnostic Laboratory, Children's Hospital of Eastern Ontario
Classification: Likely benign for Cardiomyopathy. Last evaluated: 2019-08-14. Review status: criteria provided, single submitter. Criteria: ACMG Guidelines, 2015. Collection method: clinical testing. Allele origin: germline. Study: Canadian Open Genetics Repository.

Color Diagnostics, LLC DBA Color Health
Classification: Likely benign for Cardiomyopathy. Last evaluated: 2018-12-31. Review status: criteria provided, single submitter. Criteria: ACMG Guidelines, 2015. Collection method: clinical testing. Allele origin: germline.